The following is an entry in ClinVar:

ClinVar aggregate classification (germline): Uncertain significance (1 of 4 stars; one submission).

gnomAD v4.1: 12 of 1,546,496 alleles (0.00078%); highest among the groups gnomAD compares: South Asian, 0.0012%; no homozygotes.

Submission:

Ambry Genetics
Classification: Uncertain significance. Last evaluated: 2024-10-06. Review status: criteria provided, single submitter. Criteria: Ambry Variant Classification Scheme 2023. Collection method: clinical testing. Allele origin: germline.
Comment: The c.2741T>C (p.M914T) alteration is located in exon (coding exon ) of the PARG gene. This alteration results from a T to C substitution at nucleotide position 2741, causing the methionine (M) at amino acid position 914 to be replaced by a threonine (T). Based on insufficient or conflicting evidence, the clinical significance of this alteration remains unclear.

NM_003631.5(PARG):c.2741T>C (p.Met914Thr)

Gene: PARG (poly(ADP-ribose) glycohydrolase; minus strand). Cytogenetic location: 10q11.23.
Variant type: single nucleotide variant.
Coding change: c.2741T>C on transcript NM_003631.5 (MANE Select); coding-DNA position 2741, T replaced by C.
Protein change: p.Met914Thr; replaces methionine 914 with threonine.
Molecular consequence: missense variant. On other transcripts: non-coding transcript variant (7).
Genome position (GRCh38, 1-based): chr10:49,820,200, A>G on the plus strand (T>C on the coding strand, the complement: PARG is on the minus strand). VCF-style: chr10-49820200-A-G. GRCh37 (hg19) VCF-style: chr10-51028246-A-G.
Other names: c.2495T>C, p.Met832Thr (NM_001303486.3, NM_001324381.3); c.2417T>C, p.Met806Thr (NM_001303487.3); c.1499T>C, p.Met500Thr (NM_001303489.3); short protein forms M806T, M832T, M500T, M914T.
Identifiers: ClinVar variation 3414155 (VCV003414155.1).
Genomic context (GRCh38, chr10:49,820,200, plus strand): 5'-AGTGTCAAGAGTATCTCCTACTTACCAACAGTGAGTTTCCTTTCAGTAAGGAAAATGTGC[A>G]TGCTGTAAATGTCTCTCATCAATTCTGAGTCCCCAAAGGTGAAATAAACCACATCTCGCT-3'
Protein context (NP_003622.2, residues 904-924): DSELMRDIYS[Met914Thr]HIFLTERKLT